The following is an entry in ClinVar:

ClinVar aggregate classification (germline): Uncertain significance (1 of 4 stars; one submission).

Submission:

GeneDx
Classification: Uncertain significance. Last evaluated: 2025-07-30. Review status: criteria provided, single submitter. Criteria: GeneDx Variant Classification Process June 2021. Collection method: clinical testing. Allele origin: germline. Affected: yes.
Comment: Not observed at significant frequency in large population cohorts (gnomAD); In silico analysis suggests that this variant does not alter protein structure/function; Has not been previously published as pathogenic or benign to our knowledge

NM_182641.4(BPTF):c.6127_6128delinsTC (p.Gly2043Ser)

Gene: BPTF (bromodomain PHD finger transcription factor; plus strand). Cytogenetic location: 17q24.2.
Variant type: Indel.
Coding change: c.6127_6128delinsTC on transcript NM_182641.4 (MANE Select); coding-DNA positions 6127 to 6128, GG replaced by TC.
Protein change: p.Gly2043Ser; replaces glycine 2043 with serine.
Molecular consequence: missense variant.
Genome position (GRCh38, 1-based): chr17:67,929,464-67,929,465, GG replaced by TC. VCF-style: chr17-67929464-GG-TC. GRCh37 (hg19) VCF-style: chr17-65925580-GG-TC.
Other names: c.6316_6317delinsTC, p.Gly2106Ser (NM_001439139.1, NM_001439143.1, NM_001439144.1); c.6505_6506delinsTC, p.Gly2169Ser (NM_001439140.1, NM_001439142.1, NM_004459.7); c.6478_6479delinsTC, p.Gly2160Ser (NM_001439141.1); short protein forms G2043S, G2106S, G2160S, G2169S.
Identifiers: ClinVar variation 4690141 (VCV004690141.1).